The following is an entry in ClinVar:

ClinVar aggregate classification (germline): Uncertain significance (1 of 4 stars; one submission).

Conditions:
Short-rib thoracic dysplasia 14 with polydactyly (SRTD14). Identifiers: Orphanet 397715, MedGen C4225286, MONDO:0014688, OMIM 616546.
Joubert syndrome 23 (JBTS23). Identifiers: Orphanet 475, MedGen C4084822, MONDO:0014664, OMIM 616490.

Allele frequency attached by ClinVar (database versions not stated): TOPMed below 0.00001.

Submission:

Labcorp Genetics (formerly Invitae), Labcorp
Classification: Uncertain significance for Joubert syndrome 23; Short-rib thoracic dysplasia 14 with polydactyly. Last evaluated: 2022-02-18. Review status: criteria provided, single submitter. Criteria: Invitae Variant Classification Sherloc (09022015). Collection method: clinical testing. Allele origin: germline.
Comment: This sequence change replaces serine, which is neutral and polar, with threonine, which is neutral and polar, at codon 333 of the KIAA0586 protein (p.Ser333Thr). This variant is not present in population databases (gnomAD no frequency). This variant has not been reported in the literature in individuals affected with KIAA0586-related conditions. Algorithms developed to predict the effect of missense changes on protein structure and function are either unavailable or do not agree on the potential impact of this missense change (SIFT: "Tolerated"; PolyPhen-2: "Possibly Damaging"; Align-GVGD: "Class C0"). In summary, the available evidence is currently insufficient to determine the role of this variant in disease. Therefore, it has been classified as a Variant of Uncertain Significance.

NM_001329943.3(KIAA0586):c.839G>C (p.Ser280Thr)

Gene: KIAA0586 (KIAA0586; plus strand). Cytogenetic location: 14q23.1.
Variant type: single nucleotide variant.
Coding change: c.839G>C on transcript NM_001329943.3 (MANE Select); coding-DNA position 839, G replaced by C.
Protein change: p.Ser280Thr; replaces serine 280 with threonine.
Molecular consequence: missense variant.
Genome position (GRCh38, 1-based): chr14:58,448,371, G>C. VCF-style: chr14-58448371-G-C. GRCh37 (hg19) VCF-style: chr14-58915089-G-C.
Other names: c.998G>C, p.Ser333Thr (NM_001244189.2); c.794G>C, p.Ser265Thr (NM_001244190.2); c.584G>C, p.Ser195Thr (NM_001244191.2, NM_001329945.2, NM_001364700.1 and 1 more transcripts); c.707G>C, p.Ser236Thr (NM_001244192.2); c.419G>C, p.Ser140Thr (NM_001244193.2); c.839G>C, p.Ser280Thr (NM_001329944.2, NM_001329946.2, NM_001329947.2 and 1 more transcripts); short protein forms S236T, S333T, S140T, S195T, S265T, S280T.
Identifiers: ClinVar variation 1370215 (VCV001370215.8), dbSNP rs2039080763, ClinGen allele CA389863844.